The following is an entry in ClinVar:

NM_000539.3(RHO):c.1030C>T (p.Gln344Ter)

Gene: RHO (rhodopsin; plus strand). Cytogenetic location: 3q22.1.
Variant type: single nucleotide variant.
Coding change: c.1030C>T on transcript NM_000539.3 (MANE Select); coding-DNA position 1030, C replaced by T.
Protein change: p.Gln344Ter; replaces glutamine 344 with a stop codon.
Molecular consequence: nonsense.
Genome position (GRCh38, 1-based): chr3:129,533,701, C>T. VCF-style: chr3-129533701-C-T. GRCh37 (hg19) VCF-style: chr3-129252544-C-T.
Other names: short protein forms Q344*.
Identifiers: ClinVar variation 13029 (VCV000013029.12), dbSNP rs104893778, ClinGen allele CA256675.

ClinVar aggregate classification (germline): Pathogenic. Review status: criteria provided, multiple submitters, no conflicts (2 of 4 stars). 8 submissions from 8 submitters: Pathogenic (7). 1 of the submissions does not count toward it. Last evaluated 2025-08-14.

Conditions:
RHO-related disorder. Also called: RHO-related condition.
Retinal dystrophy. Also called: Inherited retinal dystrophy. Identifiers: Orphanet 71862, MedGen C0854723, MeSH D058499, MONDO:0019118, HP:0000556.
Retinitis pigmentosa 4 (RP4). Also called: RETINITIS PIGMENTOSA, RHODOPSIN-RELATED. Identifiers: Orphanet 791, MedGen C3151001, MONDO:0013395, OMIM 613731.

Submissions (8):

Labcorp Genetics (formerly Invitae), Labcorp
Classification: Pathogenic. Last evaluated: 2025-08-14. Review status: criteria provided, single submitter. Criteria: Invitae Variant Classification Sherloc (09022015). Collection method: clinical testing. Allele origin: germline.
Comment: This sequence change creates a premature translational stop signal (p.Gln344*) in the RHO gene. While this is not anticipated to result in nonsense mediated decay, it is expected to disrupt the last 5 amino acid(s) of the RHO protein. This variant is not present in population databases (gnomAD no frequency). This premature translational stop signal has been observed in individuals with autosomal dominant retinitis pigmentosa (PMID: 1862076, 25356976, 31213501; internal data). It has also been observed to segregate with disease in related individuals. ClinVar contains an entry for this variant (Variation ID: 13029). Algorithms developed to predict the effect of variants on gene product structure and function are not available or were not evaluated for this variant. Experimental studies have shown that this premature translational stop signal affects RHO function (PMID: 7523628, 20532191, 29463953). For these reasons, this variant has been classified as Pathogenic.

SingHealth Duke-NUS Institute of Precision Medicine
Classification: Pathogenic for Retinitis pigmentosa 4. Last evaluated: 2025-02-05. Review status: criteria provided, single submitter. Criteria: PRISM ACMG Classification Criteria. Collection method: clinical testing. Allele origin: germline. Affected: yes.
Comment: Null variant is predicted not to cause nonsense-mediated decay, but truncates a critical part of the protein (PVS1_str). Prevalence in affected patients is increased compared to the general population (PS4). Variant is not found in gnomAD exomes or genomes (PM2). Experimental studies have shown that this premature translational stop signal affects RHO function (PS3, PMID:7523628;20532191;29463953)

Dept Of Ophthalmology, Nagoya University
Classification: Pathogenic for Retinal dystrophy. Last evaluated: 2023-10-01. Review status: criteria provided, single submitter. Criteria: Submitter's publication. Collection method: research. Allele origin: germline. Affected: yes.

Blueprint Genetics
Classification: Pathogenic for RHO-related disorders. Last evaluated: 2021-05-25. Review status: criteria provided, single submitter. Criteria: ACMG Guidelines, 2015. Collection method: clinical testing. Allele origin: germline. Affected: yes. Observed: 1 variant allele.

Centre for Genomic Medicine, Manchester, Central Manchester University Hospitals
Classification: Pathogenic for Retinitis pigmentosa 4. Last evaluated: 2020-09-01. Review status: criteria provided, single submitter. Criteria: ACMG Guidelines, 2015. Collection method: clinical testing. Allele origin: germline. Affected: yes. Observed: 1 heterozygote.

GeneDx
Classification: Pathogenic. Last evaluated: 2018-09-14. Review status: criteria provided, single submitter. Criteria: GeneDx Variant Classification (06012015). Collection method: clinical testing. Allele origin: germline. Affected: yes.
Comment: The Q344X variant in the RHO gene has been reported previously in association with autosomal dominant retinitis pigmentosa (Yong et al., 2005; Huang et al., 2015). A functional study demonstrated that this variant interferes with rhodopsin trafficking in transgenic mice and causes photoreceptor cell death (Concepcion et al., 2010). This variant is predicted to cause loss of normal protein function through protein truncation. The Q344X variant is not observed in large population cohorts (Lek et al., 2016). We interpret Q344X as a pathogenic variant.

Institute of Human Genetics, Univ. Regensburg, Univ. Regensburg
Classification: Pathogenic for Retinal dystrophy. Last evaluated: 2013-01-01. Review status: criteria provided, single submitter. Criteria: ACMG Guidelines, 2015. Collection method: clinical testing. Allele origin: germline. Affected: yes.

OMIM
Classification: Pathogenic for RETINITIS PIGMENTOSA 4. Last evaluated: 1994-10-01. Review status: no assertion criteria provided. Collection method: literature only. Allele origin: germline. Not counted in ClinVar's aggregate classification.

Literature cited by the submitters: PubMed 1862076 (cited by 3 submitters); PubMed 25356976 (cited by Labcorp Genetics (formerly Invitae), Labcorp and Institute of Human Genetics, Univ. Regensburg, Univ. Regensburg); PubMed 31213501 (cited by Labcorp Genetics (formerly Invitae), Labcorp and Institute of Human Genetics, Univ. Regensburg, Univ. Regensburg); PubMed 7523628 (cited by 3 submitters); PubMed 20532191 (cited by 3 submitters); PubMed 29463953 (cited by 3 submitters); PubMed 1882937 (cited by Institute of Human Genetics, Univ. Regensburg, Univ. Regensburg and OMIM); PubMed 26416182 (cited by Institute of Human Genetics, Univ. Regensburg, Univ. Regensburg); PubMed 31717845 (cited by Institute of Human Genetics, Univ. Regensburg, Univ. Regensburg); PubMed 30977563 (cited by Institute of Human Genetics, Univ. Regensburg, Univ. Regensburg).